The following is an entry in ClinVar:

NM_014625.4(NPHS2):c.555del (p.Phe185fs)

Gene: NPHS2 (NPHS2 stomatin family member, podocin; minus strand). Cytogenetic location: 1q25.2.
Variant type: Deletion.
Coding change: c.555del on transcript NM_014625.4 (MANE Select); coding-DNA position 555, one base deleted (T; older notation c.555delT).
Protein change: p.Phe185fs; shifts the reading frame from phenylalanine 185.
Molecular consequence: frameshift variant. On other transcripts: intron variant (1).
Genome position (GRCh38, 1-based): chr1:179,557,210, A deleted on the plus strand (T on the coding strand, the reverse complement: NPHS2 is on the minus strand); the first of 3 consecutive A bases (chr1:179,557,210-179,557,212); deleting any one gives the same sequence. VCF-style (leftmost placement, unchanged base first): chr1-179557209-TA-T. GRCh37 (hg19) VCF-style: chr1-179526344-TA-T.
Other names: c.534+2469del (NM_001297575.2); short protein forms F185fs.
Identifiers: ClinVar variation 2202889 (VCV002202889.4), dbSNP rs2526273640, ClinGen allele CA2580061534.

ClinVar aggregate classification (germline): Pathogenic (1 of 4 stars; one submission).

Submission:

Labcorp Genetics (formerly Invitae), Labcorp
Classification: Pathogenic. Last evaluated: 2023-04-29. Review status: criteria provided, single submitter. Criteria: Invitae Variant Classification Sherloc (09022015). Collection method: clinical testing. Allele origin: germline.
Comment: This sequence change creates a premature translational stop signal (p.Phe185Leufs*2) in the NPHS2 gene. It is expected to result in an absent or disrupted protein product. Loss-of-function variants in NPHS2 are known to be pathogenic (PMID: 10742096, 14701729, 15253708, 23595123). This variant is not present in population databases (gnomAD no frequency). This premature translational stop signal has been observed in individual(s) with clinical features of nephrotic syndrome (PMID: 12776285). ClinVar contains an entry for this variant (Variation ID: 2202889). For these reasons, this variant has been classified as Pathogenic.

Literature cited by the submitters: PubMed 10742096; PubMed 14701729; PubMed 15253708; PubMed 23595123; PubMed 12776285.